The following is an entry in ClinVar:

ClinVar aggregate classification (germline): Likely benign (1 of 4 stars; one submission).

Conditions:
UGT1A1-related disorder. Also called: UGT1A1-related condition; UGT1A1-related disorders.

gnomAD v4.1: 23 of 1,614,070 alleles (0.0014%); highest among the groups gnomAD compares: East Asian, 0.045%; no homozygotes.

Submission:

PreventionGenetics, part of Exact Sciences
Classification: Likely benign for UGT1A1-related condition. Last evaluated: 2026-07-09. Review status: criteria provided, single submitter. Criteria: ACMG Guidelines, 2015. Collection method: clinical testing. Allele origin: germline.
Comment: This variant is classified as likely benign based on ACMG/AMP sequence variant interpretation guidelines (Richards et al. 2015 PMID: 25741868, with internal and published modifications).

NM_000463.3(UGT1A1):c.783G>A (p.Val261=)

Genes: UGT1A (UDP glucuronosyltransferase family 1 member A complex locus; plus strand), UGT1A1 (UDP glucuronosyltransferase family 1 member A1; plus strand), UGT1A10 (UDP glucuronosyltransferase family 1 member A10; plus strand), UGT1A3 (UDP glucuronosyltransferase family 1 member A3; plus strand), UGT1A4 (UDP glucuronosyltransferase family 1 member A4; plus strand) and 5 more. Cytogenetic location: 2q37.1.
Variant type: single nucleotide variant.
Coding change: c.783G>A on transcript NM_000463.3 (MANE Select); coding-DNA position 783, G replaced by A.
Protein change: p.Val261=; no amino-acid change (valine 261 retained).
Molecular consequence: synonymous variant. On other transcripts: intron variant (9).
Genome position (GRCh38, 1-based): chr2:233,761,070, G>A. VCF-style: chr2-233761070-G-A. GRCh37 (hg19) VCF-style: chr2-234669716-G-A.
Other names: c.856-5964G>A (NM_019076.5, NM_019075.4, NM_021027.3 and 1 more transcripts); c.61-5964G>A (NM_205862.3); c.862-5964G>A (NM_001072.4); c.868-5964G>A (NM_019078.2, NM_007120.3, NM_019093.4).
Identifiers: ClinVar variation 4978356 (VCV004978356.1).